The following is an entry in ClinVar:

NM_001267550.2(TTN):c.60202G>C (p.Glu20068Gln)

Genes: TTN (titin; minus strand), TTN-AS1 (TTN antisense RNA 1; plus strand), LOC126806424 (CDK7 strongly-dependent group 2 enhancer GRCh37_chr2:179456337-179457536; plus strand). Cytogenetic location: 2q31.2.
Variant type: single nucleotide variant.
Coding change: c.60202G>C on transcript NM_001267550.2 (MANE Select); coding-DNA position 60202, G replaced by C.
Protein change: p.Glu20068Gln; replaces glutamic acid 20068 with glutamine.
Molecular consequence: missense variant.
Genome position (GRCh38, 1-based): chr2:178,591,617, C>G on the plus strand (G>C on the coding strand, the complement: TTN is on the minus strand). VCF-style: chr2-178591617-C-G. GRCh37 (hg19) VCF-style: chr2-179456344-C-G.
Other names: p.Glu18427Gln; c.55279G>C, p.Glu18427Gln (NM_001256850.1); c.33007G>C, p.Glu11003Gln (NM_003319.4); c.52498G>C, p.Glu17500Gln (NM_133378.4); c.33382G>C, p.Glu11128Gln (NM_133432.3); c.33583G>C, p.Glu11195Gln (NM_133437.4); short protein forms E17500Q, E18427Q, E20068Q, E11003Q, E11128Q, E11195Q.
Identifiers: ClinVar variation 1729971 (VCV001729971.3), dbSNP rs759291854, ClinGen allele CA1992541.

ClinVar aggregate classification (germline): Uncertain significance. Review status: criteria provided, multiple submitters, no conflicts (2 of 4 stars). 2 submissions from 2 submitters: Uncertain significance (2). Last evaluated 2024-02-13.

Conditions:
Cardiovascular phenotype. Identifiers: MedGen CN230736.

Allele frequency attached by ClinVar (database versions not stated): gnomAD 0.00003; TOPMed 0.00003.

Submissions (2):

Mayo Clinic Laboratories, Mayo Clinic
Classification: Uncertain significance. Last evaluated: 2024-02-13. Review status: criteria provided, single submitter. Criteria: ACMG Guidelines, 2015. Collection method: clinical testing. Allele origin: germline. Observed: 1 variant allele.
Comment: BP4, PM2

Ambry Genetics
Classification: Uncertain significance for Cardiovascular phenotype. Last evaluated: 2020-03-20. Review status: criteria provided, single submitter. Criteria: Ambry Variant Classification Scheme 2023. Collection method: clinical testing. Allele origin: germline.
Comment: The p.E11003Q variant (also known as c.33007G>C), located in coding exon 130 of the TTN gene, results from a G to C substitution at nucleotide position 33007. The glutamic acid at codon 11003 is replaced by glutamine, an amino acid with highly similar properties. This amino acid position is not well conserved in available vertebrate species. In addition, this alteration is predicted to be tolerated by in silico analysis. Since supporting evidence is limited at this time, the clinical significance of this alteration remains unclear.